The following is an entry in ClinVar:

NM_003872.3(NRP2):c.2425+9551T>C

Gene: NRP2 (neuropilin 2; plus strand). Cytogenetic location: 2q33.3.
Variant type: single nucleotide variant.
Coding change: c.2425+9551T>C on transcript NM_003872.3 (MANE Select); 9551 bases into the intron after coding-DNA position 2425, T replaced by C.
Molecular consequence: intron variant. On other transcripts: missense variant (2).
Genome position (GRCh38, 1-based): chr2:205,776,354, T>C. VCF-style: chr2-205776354-T-C. GRCh37 (hg19) VCF-style: chr2-206641078-T-C.
Other names: c.2549T>C, p.Leu850Pro (NM_018534.4); c.2534T>C, p.Leu845Pro (NM_201267.2); c.2440+9536T>C (NM_201266.2); c.2425+9551T>C (NM_201279.2); short protein forms L845P, L850P.
Identifiers: ClinVar variation 4996392 (VCV004996392.1).

ClinVar aggregate classification (germline): Uncertain significance (1 of 4 stars; one submission).

Conditions:
NRP2-related disorder. Also called: NRP2-related condition.

gnomAD v4.1: 2 of 1,613,170 alleles (0.00012%); highest among the groups gnomAD compares: Non-Finnish European, 0.00017%; no homozygotes.

Submission:

PreventionGenetics, part of Exact Sciences
Classification: Uncertain significance for NRP2-related condition. Last evaluated: 2026-05-16. Review status: criteria provided, single submitter. Criteria: ACMG Guidelines, 2015. Collection method: clinical testing. Allele origin: germline.
Comment: The NRP2 c.2549T>C variant is predicted to result in the amino acid substitution p.Leu850Pro. To our knowledge, this variant has not been reported in the literature or in a large population database (gnomAD), indicating this variant is rare. At this time, the clinical significance of this variant is uncertain due to the absence of conclusive functional and genetic evidence.